The following is an entry in ClinVar:

ClinVar aggregate classification (germline): Conflicting classifications of pathogenicity. Review status: criteria provided, conflicting classifications (1 of 4 stars). 2 submissions from 2 submitters: Likely pathogenic (1); Uncertain significance (1). Last evaluated 2023-08-07.

Conditions:
BTD-related disorder. Also called: BTD-related condition.
Biotinidase deficiency. Also called: BTD deficiency; Late-onset biotin-responsive multiple carboxylase deficiency; Biotin deficiency. Identifiers: Orphanet 79241, MedGen C0220754, MONDO:0009665, OMIM 253260.

Allele frequency attached by ClinVar (database versions not stated): gnomAD exomes below 0.00001.
gnomAD v4.1: 1 of 1,614,232 alleles (0.000062%); highest among the groups gnomAD compares: Non-Finnish European, 0.000085%; no homozygotes.

Submissions (2):

Labcorp Genetics (formerly Invitae), Labcorp
Classification: Likely pathogenic for Biotinidase deficiency. Last evaluated: 2023-08-07. Review status: criteria provided, single submitter. Criteria: Invitae Variant Classification Sherloc (09022015). Collection method: clinical testing. Allele origin: germline.
Comment: This missense change has been observed in individual(s) with biotinidase deficiency (PMID: 25795614). Advanced modeling of protein sequence and biophysical properties (such as structural, functional, and spatial information, amino acid conservation, physicochemical variation, residue mobility, and thermodynamic stability) performed at Invitae indicates that this missense variant is expected to disrupt BTD protein function. In summary, the currently available evidence indicates that the variant is pathogenic, but additional data are needed to prove that conclusively. Therefore, this variant has been classified as Likely Pathogenic. This variant is not present in population databases (gnomAD no frequency). This sequence change replaces threonine, which is neutral and polar, with isoleucine, which is neutral and non-polar, at codon 492 of the BTD protein (p.Thr492Ile).

PreventionGenetics, part of Exact Sciences
Classification: Uncertain significance for BTD-related condition. Last evaluated: 2023-04-13. Review status: criteria provided, single submitter. Criteria: ACMG Guidelines, 2015. Collection method: clinical testing. Allele origin: germline.
Comment: The BTD c.1475C>T variant is predicted to result in the amino acid substitution p.Thr492Ile. This variant was reported along with the common c.1330G>C (p.Asp444His) partial deficiency variant in a patient with partial biotinidase deficiency. This variant has not been reported in a large population database, indicating it is rare. At this time, the clinical significance of this variant is uncertain due to the absence of conclusive functional and genetic evidence.

Literature cited by the submitters: PubMed 25795614 (cited by Labcorp Genetics (formerly Invitae), Labcorp).

NM_001370658.1(BTD):c.1415C>T (p.Thr472Ile)

Gene: BTD (biotinidase; plus strand). Cytogenetic location: 3p25.1.
Variant type: single nucleotide variant.
Coding change: c.1415C>T on transcript NM_001370658.1 (MANE Select); coding-DNA position 1415, C replaced by T.
Protein change: p.Thr472Ile; replaces threonine 472 with isoleucine.
Molecular consequence: missense variant. On other transcripts: intron variant (2).
Genome position (GRCh38, 1-based): chr3:15,645,331, C>T. VCF-style: chr3-15645331-C-T. GRCh37 (hg19) VCF-style: chr3-15686838-C-T.
Other names: c.1475C>T, p.Thr492Ile (NM_000060.4); c.1415C>T, p.Thr472Ile (NM_001281723.4, NM_001281724.3, NM_001281725.3 and 16 more transcripts); c.1015+400C>T (NM_001370752.1); c.399+3274C>T (NM_001370753.1); short protein forms T472I.
Identifiers: ClinVar variation 2629335 (VCV002629335.4), dbSNP rs1553654190, ClinGen allele CA312371.
Genomic context (GRCh38, chr3:15,645,331, plus strand): 5'-GACAGGAAATCACAGAGGCCACGGGGATATTTGAGTTTCACCTGTGGGGCAACTTCAGTA[C>T]TTCCTATATCTTTCCTTTGTTTCTGACCTCAGGGATGACCCTAGAAGTCCCTGACCAGCT-3'
Protein context (NP_001357587.1, residues 462-482): FEFHLWGNFS[Thr472Ile]SYIFPLFLTS